The following is an entry in ClinVar:

NM_015272.5(RPGRIP1L):c.1939G>A (p.Val647Ile)

Gene: RPGRIP1L (RPGRIP1 like; minus strand). Cytogenetic location: 16q12.2.
Variant type: single nucleotide variant.
Coding change: c.1939G>A on transcript NM_015272.5 (MANE Select); coding-DNA position 1939, G replaced by A.
Protein change: p.Val647Ile; replaces valine 647 with isoleucine.
Molecular consequence: missense variant.
Genome position (GRCh38, 1-based): chr16:53,652,748, C>T on the plus strand (G>A on the coding strand, the complement: RPGRIP1L is on the minus strand). VCF-style: chr16-53652748-C-T. GRCh37 (hg19) VCF-style: chr16-53686660-C-T.
Other names: c.1939G>A, p.Val647Ile (NM_001127897.4, NM_001308334.3, NM_001330538.2); c.1939G>A (NM_015272.4); short protein forms V647I.
Identifiers: ClinVar variation 648041 (VCV000648041.10), dbSNP rs145572901, ClinGen allele CA8057672.

ClinVar aggregate classification (germline): Uncertain significance. Review status: criteria provided, multiple submitters, no conflicts (2 of 4 stars). 6 submissions from 6 submitters: Uncertain significance (4). 2 of the submissions do not count toward it. Last evaluated 2024-11-18.

Conditions:
Joubert syndrome. Also called: JOUBERT-BOLTSHAUSER SYNDROME; Familial aplasia of the vermis. Identifiers: Orphanet 475, MedGen C5979921, MONDO:0018772.
COACH syndrome 3. Identifiers: MedGen C5436841, MONDO:0030862, OMIM 619113.
Joubert syndrome 7 (JBTS7). Identifiers: Orphanet 220497, MedGen C1969053, MONDO:0012694, OMIM 611560.
Meckel syndrome, type 5 (MKS5). Identifiers: Orphanet 564, MedGen C1969052, MONDO:0012695, OMIM 611561.
RPGRIP1L-related disorder. Also called: RPGRIP1L-related disorders; RPGRIP1L-related condition. Identifiers: MedGen CN239416.
Meckel-Gruber syndrome. Also called: DYSENCEPHALIA SPLANCHNOCYSTICA; GRUBER SYNDROME; Dysencephalia splachnocystica. Identifiers: Orphanet 564, MedGen C0265215, MONDO:0018921.

Allele frequency attached by ClinVar (database versions not stated): gnomAD 0.00003; TOPMed 0.00004; gnomAD exomes 0.00006; ExAC 0.00007; ESP Exome Variant Server 0.00008.
gnomAD v4.1: 57 of 1,613,922 alleles (0.0035%); highest among the groups gnomAD compares: South Asian, 0.023%; no homozygotes.

Submissions (6):

Women's Health and Genetics/Laboratory Corporation of America, LabCorp
Classification: Uncertain significance. Last evaluated: 2024-11-18. Review status: criteria provided, single submitter. Criteria: LabCorp Variant Classification Summary - May 2015. Collection method: clinical testing. Allele origin: germline.
Comment: Variant summary: RPGRIP1L c.1939G>A (p.Val647Ile) results in a conservative amino acid change located in the First C2 domain of RPGR-interacting protein 1 (IPR021656) of the encoded protein sequence. Five of five in-silico tools predict a benign effect of the variant on protein function. The variant allele was found at a frequency of 5.6e-05 in 251236 control chromosomes. This frequency is not significantly higher than estimated for a pathogenic variant in RPGRIP1L causing Joubert Syndrome And Related Disorders (5.6e-05 vs 0.00079), allowing no conclusion about variant significance. c.1939G>A has been reported in the literature in an individual affected with Joubert Syndrome And Related Disorders (Khanna_2009). This report does not provide unequivocal conclusions about association of the variant with Joubert Syndrome And Related Disorders. Co-occurrences with other pathogenic variant(s) have been reported (CRB1 c.2843G>A, p.Cys948Tyr), providing supporting evidence for a benign role. To our knowledge, no experimental evidence demonstrating an impact on protein function has been reported. The following publication have been ascertained in the context of this evaluation (PMID: 19430481). ClinVar contains an entry for this variant (Variation ID: 648041). Based on the evidence outlined above, the variant was classified as uncertain significance.

Fulgent Genetics
Classification: Uncertain significance for Joubert syndrome 7; Meckel syndrome, type 5; COACH syndrome 3. Last evaluated: 2024-01-05. Review status: criteria provided, single submitter. Criteria: ACMG Guidelines, 2015. Collection method: clinical testing. Allele origin: germline.

Blueprint Genetics
Classification: Uncertain significance. Last evaluated: 2023-10-17. Review status: criteria provided, single submitter. Criteria: ACMG Guidelines, 2015. Collection method: clinical testing. Allele origin: germline.

Labcorp Genetics (formerly Invitae), Labcorp
Classification: Uncertain significance for Joubert syndrome; Meckel-Gruber syndrome. Last evaluated: 2022-09-06. Review status: criteria provided, single submitter. Criteria: Invitae Variant Classification Sherloc (09022015). Collection method: clinical testing. Allele origin: germline.
Comment: This sequence change replaces valine, which is neutral and non-polar, with isoleucine, which is neutral and non-polar, at codon 647 of the RPGRIP1L protein (p.Val647Ile). This variant is present in population databases (rs145572901, gnomAD 0.03%). This missense change has been observed in individual(s) with Leber congenital amaurosis who had another genetic cause of disease (PMID: 19430481). ClinVar contains an entry for this variant (Variation ID: 648041). Algorithms developed to predict the effect of missense changes on protein structure and function output the following: SIFT: "Tolerated"; PolyPhen-2: "Benign"; Align-GVGD: "Class C0". The isoleucine amino acid residue is found in multiple mammalian species, which suggests that this missense change does not adversely affect protein function. Experimental studies are conflicting or provide insufficient evidence to determine the effect of this variant on RPGRIP1L function (PMID: 19430481). In summary, the available evidence is currently insufficient to determine the role of this variant in disease. Therefore, it has been classified as a Variant of Uncertain Significance.

PreventionGenetics, part of Exact Sciences
Classification: Uncertain significance for RPGRIP1L-related condition. Last evaluated: 2024-08-19. Review status: no assertion criteria provided. Collection method: clinical testing. Allele origin: germline. Not counted in ClinVar's aggregate classification.
Comment: The RPGRIP1L c.1939G>A variant is predicted to result in the amino acid substitution p.Val647Ile. This variant has been reported in the heterozygous state along with a homozygous missense change in the CRB1 gene in an individual with ciliopathy (Khanna et al. 2009. PubMed ID: 19430481). This variant is reported in 0.033% of alleles in individuals of South Asian descent in gnomAD. At this time, the clinical significance of this variant is uncertain due to the absence of conclusive functional and genetic evidence.

Natera, Inc.
Classification: Uncertain significance for Joubert syndrome. Last evaluated: 2020-12-15. Review status: no assertion criteria provided. Collection method: clinical testing. Allele origin: germline. Not counted in ClinVar's aggregate classification.

Literature cited by the submitters: PubMed 19430481 (cited by Women's Health and Genetics/Laboratory Corporation of America, LabCorp and Labcorp Genetics (formerly Invitae), Labcorp).